The following is an entry in ClinVar:

ClinVar aggregate classification (germline): Uncertain significance (1 of 4 stars; one submission).

Conditions:
Cardiovascular phenotype. Identifiers: MedGen CN230736.

gnomAD v4.1: 1 of 1,613,894 alleles (0.000062%); no homozygotes.

Submission:

Ambry Genetics
Classification: Uncertain significance for Cardiovascular phenotype. Last evaluated: 2020-02-21. Review status: criteria provided, single submitter. Criteria: Ambry Variant Classification Scheme 2023. Collection method: clinical testing. Allele origin: germline.
Comment: The p.G1766S variant (also known as c.5296G>A), located in coding exon 37 of the LAMA4 gene, results from a G to A substitution at nucleotide position 5296. The glycine at codon 1766 is replaced by serine, an amino acid with similar properties. This amino acid position is highly conserved in available vertebrate species. In addition, this alteration is predicted to be deleterious by in silico analysis. Since supporting evidence is limited at this time, the clinical significance of this alteration remains unclear.

NM_001105206.3(LAMA4):c.5317G>A (p.Gly1773Ser)

Gene: LAMA4 (laminin subunit alpha 4; minus strand). Cytogenetic location: 6q21.
Variant type: single nucleotide variant.
Coding change: c.5317G>A on transcript NM_001105206.3 (MANE Select); coding-DNA position 5317, G replaced by A.
Protein change: p.Gly1773Ser; replaces glycine 1773 with serine.
Molecular consequence: missense variant.
Genome position (GRCh38, 1-based): chr6:112,114,085, C>T on the plus strand (G>A on the coding strand, the complement: LAMA4 is on the minus strand). VCF-style: chr6-112114085-C-T. GRCh37 (hg19) VCF-style: chr6-112435288-C-T.
Other names: c.5296G>A, p.Gly1766Ser (NM_001105207.3, NM_002290.5); short protein forms G1766S, G1773S.
Identifiers: ClinVar variation 1746658 (VCV001746658.2), dbSNP rs2546964312, ClinGen allele CA365364070.